The following is an entry in ClinVar:

ClinVar aggregate classification (germline): Uncertain significance (1 of 4 stars; one submission).

Allele frequency attached by ClinVar (database versions not stated): gnomAD 0.00002; TOPMed 0.00002.
gnomAD v4.1: 14 of 1,612,420 alleles (0.00087%); highest among the groups gnomAD compares: East Asian, 0.0045%; no homozygotes.

Submission:

Labcorp Genetics (formerly Invitae), Labcorp
Classification: Uncertain significance. Last evaluated: 2023-10-03. Review status: criteria provided, single submitter. Criteria: Invitae Variant Classification Sherloc (09022015). Collection method: clinical testing. Allele origin: germline.
Comment: This sequence change replaces proline, which is neutral and non-polar, with leucine, which is neutral and non-polar, at codon 997 of the AUTS2 protein (p.Pro997Leu). This variant is present in population databases (rs374548780, gnomAD 0.005%). This variant has not been reported in the literature in individuals affected with AUTS2-related conditions. ClinVar contains an entry for this variant (Variation ID: 1961025). Advanced modeling of protein sequence and biophysical properties (such as structural, functional, and spatial information, amino acid conservation, physicochemical variation, residue mobility, and thermodynamic stability) performed at Invitae indicates that this missense variant is not expected to disrupt AUTS2 protein function. In summary, the available evidence is currently insufficient to determine the role of this variant in disease. Therefore, it has been classified as a Variant of Uncertain Significance.

NM_015570.4(AUTS2):c.2990C>T (p.Pro997Leu)

Gene: AUTS2 (activator of transcription and developmental regulator AUTS2; plus strand). Cytogenetic location: 7q11.22.
Variant type: single nucleotide variant.
Coding change: c.2990C>T on transcript NM_015570.4 (MANE Select); coding-DNA position 2990, C replaced by T.
Protein change: p.Pro997Leu; replaces proline 997 with leucine.
Molecular consequence: missense variant.
Genome position (GRCh38, 1-based): chr7:70,790,206, C>T. VCF-style: chr7-70790206-C-T. GRCh37 (hg19) VCF-style: chr7-70255192-C-T.
Other names: c.2918C>T, p.Pro973Leu (NM_001127231.3); short protein forms P997L, P973L.
Identifiers: ClinVar variation 1961025 (VCV001961025.5), dbSNP rs374548780, ClinGen allele CA4281237.